The following is an entry in ClinVar:

NM_001035.3(RYR2):c.10889A>G (p.Glu3630Gly)

Gene: RYR2 (ryanodine receptor 2; plus strand). Cytogenetic location: 1q43.
Variant type: single nucleotide variant.
Coding change: c.10889A>G on transcript NM_001035.3 (MANE Select); coding-DNA position 10889, A replaced by G.
Protein change: p.Glu3630Gly; replaces glutamic acid 3630 with glycine.
Molecular consequence: missense variant.
Genome position (GRCh38, 1-based): chr1:237,730,310, A>G. VCF-style: chr1-237730310-A-G. GRCh37 (hg19) VCF-style: chr1-237893610-A-G.
Other names: short protein forms E3630G.
Identifiers: ClinVar variation 3436614 (VCV003436614.2).
Genomic context (GRCh38, chr1:237,730,310, plus strand): 5'-TACCTTTCAGGCATCGGGCTGTCAATCTCTTTCTTCAGGGATATGAAAAGTCTTGGATTG[A>G]AACAGAAGAACATTACTTTGAAGATAAACTGATAGAAGATTTAGCAGTATGTTTTTAGTG-3'
Protein context (NP_001026.2, residues 3620-3640): FLQGYEKSWI[Glu3630Gly]TEEHYFEDKL

ClinVar aggregate classification (germline): Uncertain significance. Review status: criteria provided, multiple submitters, no conflicts (2 of 4 stars). 2 submissions from 2 submitters: Uncertain significance (2). Last evaluated 2025-10-03.

Conditions:
Cardiomyopathy (CMYO). Also called: Cardiomyopathies. Identifiers: Orphanet 167848, MedGen C0878544, MONDO:0004994, HP:0001638. Inheritance: Various modes of inheritance.
Cardiovascular phenotype. Identifiers: MedGen CN230736.

Submissions (2):

Color Diagnostics, LLC DBA Color Health
Classification: Uncertain significance for Cardiomyopathy. Last evaluated: 2025-10-03. Review status: criteria provided, single submitter. Criteria: ACMG Guidelines, 2015. Collection method: clinical testing. Allele origin: germline.
Comment: This missense variant replaces glutamic acid with glycine at codon 3630 of the RYR2 protein. Computational prediction suggests that this variant may have deleterious impact on protein structure and function. To our knowledge, functional studies have not been reported for this variant. This variant has not been reported in individuals affected with RYR2-related disorders in the literature. This variant has not been identified in the general population by the Genome Aggregation Database (gnomAD). The available evidence is insufficient to determine the role of this variant in disease conclusively. Therefore, this variant is classified as a Variant of Uncertain Significance.

Ambry Genetics
Classification: Uncertain significance for Cardiovascular phenotype. Last evaluated: 2024-12-04. Review status: criteria provided, single submitter. Criteria: Ambry Variant Classification Scheme 2023. Collection method: clinical testing. Allele origin: germline.
Comment: The p.E3630G variant (also known as c.10889A>G), located in coding exon 77 of the RYR2 gene, results from an A to G substitution at nucleotide position 10889. The glutamic acid at codon 3630 is replaced by glycine, an amino acid with similar properties. This amino acid position is highly conserved in available vertebrate species. In addition, this alteration is predicted to be deleterious by in silico analysis. Based on the available evidence, the clinical significance of this variant remains unclear.